The following is an entry in ClinVar:

ClinVar aggregate classification (germline): Uncertain significance (1 of 4 stars; one submission).

Conditions:
Severe myoclonic epilepsy in infancy (DRVT). Also called: DEVELOPMENTAL AND EPILEPTIC ENCEPHALOPATHY 6A; Severe Myoclonic Epilepsy in Infancy (SMEI); Dravet syndrome; Epileptic encephalopathy, early infantile, 6 (Dravet syndrome); SEVERE MYOCLONIC EPILEPSY OF INFANCY. Identifiers: Orphanet 33069, MedGen C0751122, MONDO:0100135, OMIM 607208.

Allele frequency attached by ClinVar (database versions not stated): gnomAD exomes below 0.00001; gnomAD 0.00001.

Submission:

Labcorp Genetics (formerly Invitae), Labcorp
Classification: Uncertain significance for Severe myoclonic epilepsy in infancy. Last evaluated: 2022-06-20. Review status: criteria provided, single submitter. Criteria: Invitae Variant Classification Sherloc (09022015). Collection method: clinical testing. Allele origin: germline.
Comment: In summary, the available evidence is currently insufficient to determine the role of this variant in disease. Therefore, it has been classified as a Variant of Uncertain Significance. Algorithms developed to predict the effect of missense changes on protein structure and function are either unavailable or do not agree on the potential impact of this missense change (SIFT: "Deleterious"; PolyPhen-2: "Possibly Damaging"; Align-GVGD: "Class C0"). ClinVar contains an entry for this variant (Variation ID: 1058737). This variant has not been reported in the literature in individuals affected with SNX27-related conditions. This variant is not present in population databases (gnomAD no frequency). This sequence change replaces glycine, which is neutral and non-polar, with tryptophan, which is neutral and slightly polar, at codon 24 of the SNX27 protein (p.Gly24Trp).

NM_001330723.2(SNX27):c.70G>T (p.Gly24Trp)

Genes: SNX27 (sorting nexin 27; plus strand), LOC129931442 (ATAC-STARR-seq lymphoblastoid silent region 1324; plus strand). Cytogenetic location: 1q21.3.
Variant type: single nucleotide variant.
Coding change: c.70G>T on transcript NM_001330723.2 (MANE Select); coding-DNA position 70, G replaced by T.
Protein change: p.Gly24Trp; replaces glycine 24 with tryptophan.
Molecular consequence: missense variant.
Genome position (GRCh38, 1-based): chr1:151,612,271, G>T. VCF-style: chr1-151612271-G-T. GRCh37 (hg19) VCF-style: chr1-151584747-G-T.
Other names: c.70G>T, p.Gly24Trp (NM_030918.6); short protein forms G24W.
Identifiers: ClinVar variation 1058737 (VCV001058737.7), dbSNP rs1054736706, ClinGen allele CA30493493.